The following is an entry in ClinVar:

NM_001292063.2(OTOG):c.2684C>T (p.Thr895Met)

Gene: OTOG (otogelin; plus strand). Cytogenetic location: 11p15.1.
Variant type: single nucleotide variant.
Coding change: c.2684C>T on transcript NM_001292063.2 (MANE Select); coding-DNA position 2684, C replaced by T.
Protein change: p.Thr895Met; replaces threonine 895 with methionine.
Molecular consequence: missense variant.
Genome position (GRCh38, 1-based): chr11:17,578,451, C>T. VCF-style: chr11-17578451-C-T. GRCh37 (hg19) VCF-style: chr11-17599998-C-T.
Other names: c.2720C>T, p.Thr907Met (NM_001277269.2); short protein forms T895M, T907M.
Identifiers: ClinVar variation 1214539 (VCV001214539.5), dbSNP rs777886999, ClinGen allele CA5905656.

ClinVar aggregate classification (germline): Uncertain significance. Review status: criteria provided, multiple submitters, no conflicts (2 of 4 stars). 2 submissions from 2 submitters: Uncertain significance (2). Last evaluated 2024-02-06.

Allele frequency attached by ClinVar (database versions not stated): TOPMed below 0.00001; gnomAD exomes 0.00001; ExAC 0.00014.
gnomAD v4.1: 7 of 1,541,644 alleles (0.00045%); highest among the groups gnomAD compares: Middle Eastern, 0.017%; no homozygotes.

Submissions (2):

Labcorp Genetics (formerly Invitae), Labcorp
Classification: Uncertain significance. Last evaluated: 2024-02-06. Review status: criteria provided, single submitter. Criteria: Invitae Variant Classification Sherloc (09022015). Collection method: clinical testing. Allele origin: germline.
Comment: This sequence change replaces threonine, which is neutral and polar, with methionine, which is neutral and non-polar, at codon 907 of the OTOG protein (p.Thr907Met). The frequency data for this variant in the population databases is considered unreliable, as metrics indicate poor data quality at this position in the gnomAD database. This variant has not been reported in the literature in individuals affected with OTOG-related conditions. ClinVar contains an entry for this variant (Variation ID: 1214539). An algorithm developed to predict the effect of missense changes on protein structure and function (PolyPhen-2) suggests that this variant is likely to be disruptive. In summary, the available evidence is currently insufficient to determine the role of this variant in disease. Therefore, it has been classified as a Variant of Uncertain Significance.

GeneDx
Classification: Uncertain significance. Last evaluated: 2020-02-04. Review status: criteria provided, single submitter. Criteria: GeneDx Variant Classification Process June 2021. Collection method: clinical testing. Allele origin: germline. Affected: yes.
Comment: In silico analysis supports that this missense variant has a deleterious effect on protein structure/function; Has not been previously published as pathogenic or benign to our knowledge; No data available from [ethnically-matched] control populations to assess the frequency of this variant